The following is an entry in ClinVar:

NM_023036.6(DNAI2):c.-54A>G

Gene: DNAI2 (dynein axonemal intermediate chain 2; plus strand). Cytogenetic location: 17q25.1.
Variant type: single nucleotide variant.
Coding change: c.-54A>G on transcript NM_023036.6 (MANE Select); 54 bases upstream of the start codon, A replaced by G.
Molecular consequence: 5 prime UTR variant. On other transcripts: non-coding transcript variant (1).
Genome position (GRCh38, 1-based): chr17:74,274,303, A>G. VCF-style: chr17-74274303-A-G. GRCh37 (hg19) VCF-style: chr17-72270442-A-G.
Other names: c.-51A>G (NM_001172810.3); c.-54A>G (NM_001353167.2).
Identifiers: ClinVar variation 325001 (VCV000325001.6), dbSNP rs1877687, ClinGen allele CA10646686.

ClinVar aggregate classification (germline): Benign. Review status: criteria provided, multiple submitters, no conflicts (2 of 4 stars). 2 submissions from 2 submitters: Benign (2). Last evaluated 2018-01-12.

Conditions:
Primary ciliary dyskinesia 9. Also called: CILIARY DYSKINESIA, PRIMARY, 9, WITH OR WITHOUT SITUS INVERSUS. Identifiers: Orphanet 244, MedGen C2676235, MONDO:0012906, OMIM 612444.

Allele frequency attached by ClinVar (database versions not stated): gnomAD 0.53697 and 0.54421; TOPMed 0.54618; 1000 Genomes Project 0.63179; 1000 Genomes Project 30x 0.63210; gnomAD exomes 0.65625.
gnomAD v4.1: 82,517 of 151,812 alleles (54%); highest among the groups gnomAD compares: East Asian, 80%; 22,861 homozygotes.

Submissions (2):

Illumina Laboratory Services, Illumina
Classification: Benign for Primary ciliary dyskinesia 9. Last evaluated: 2018-01-12. Review status: criteria provided, single submitter. Criteria: ICSL Variant Classification Criteria 13 December 2019. Collection method: clinical testing. Allele origin: germline.
Comment: This variant was observed in the ICSL laboratory as part of a predisposition screen in an ostensibly healthy population. It had not been previously curated by ICSL or reported in the Human Gene Mutation Database (HGMD: prior to June 1st, 2018), and was therefore a candidate for classification through an automated scoring system. Utilizing variant allele frequency, disease prevalence and penetrance estimates, and inheritance mode, an automated score was calculated to assess if this variant is too frequent to cause the disease. Based on the score and internal cut-off values, a variant classified as benign is not then subjected to further curation. The score for this variant resulted in a classification of benign for this disease.

Breakthrough Genomics
Classification: Benign. Review status: criteria provided, single submitter. Criteria: ACMG Guidelines, 2015. Collection method: not provided. Allele origin: germline. Inheritance: Autosomal recessive inheritance. Affected: yes.